The following is an entry in ClinVar:

Conditions:
Breast-ovarian cancer, familial, susceptibility to, 1 (BROVCA1). Also called: BRCA1 Hereditary Breast and Ovarian Cancer; OVARIAN CANCER, SUSCEPTIBILITY TO. Identifiers: Orphanet 145, MedGen C2676676, MONDO:0011450, OMIM 604370. Disease mechanism: loss of function.

Submission:

Brotman Baty Institute, University of Washington
No classification provided (evidence only). Condition: Breast-ovarian cancer, familial 1. Review status: no classification provided. Collection method: in vitro. Allele origin: not applicable. Functional consequence: functionally_normal.
ClinVar note: "not provided" was previously submitted as the classification for the variant. However, the classification appeared to be based only on an observation of functional data so it was converted to no classification on 2025-07-30.

NM_007294.4(BRCA1):c.-19-2A>C

Gene: BRCA1 (BRCA1 DNA repair associated; minus strand). Cytogenetic location: 17q21.31.
Variant type: single nucleotide variant.
Coding change: c.-19-2A>C on transcript NM_007294.4 (MANE Select); the canonical splice acceptor site of the intron before 19 bases upstream of the start codon, A replaced by C.
Molecular consequence: splice acceptor variant. On other transcripts: intron variant (66), 5 prime UTR variant (10).
Genome position (GRCh38, 1-based): chr17:43,124,117, T>G on the plus strand (A>C on the coding strand, the complement: BRCA1 is on the minus strand). VCF-style: chr17-43124117-T-G. GRCh37 (hg19) VCF-style: chr17-41276134-T-G.
Other names: c.-19-2A>C (NM_001408412.1, NM_001407656.1, NM_001407657.1 and 159 more transcripts); c.-207-2A>C (NM_001408509.1, NM_001408508.1, NM_001408491.1 and 41 more transcripts); c.-6-15A>C (NM_001407613.1, NM_001408436.1, NM_001407665.1 and 21 more transcripts); c.-153-2A>C (NM_001407898.1, NM_001407881.1, NM_001407902.1); c.-106-2A>C (NM_001407932.1, NM_001408464.1, NM_001407742.1 and 21 more transcripts); c.-323-2A>C (NM_001408492.1, NM_001407889.1); c.-276-2A>C (NM_001408468.1, NM_001407842.1, NM_001407749.1 and 11 more transcripts); c.-280-2A>C (NM_001407695.1, NM_001408465.1); and 28 more.
Identifiers: ClinVar variation 867641 (VCV000867641.2), dbSNP rs886040902, ClinGen allele CA916081179.